The following is an entry in ClinVar:

ClinVar aggregate classification (germline): Uncertain significance. Review status: criteria provided, multiple submitters, no conflicts (2 of 4 stars). 2 submissions from 2 submitters: Uncertain significance (2). Last evaluated 2025-03-14.

Conditions:
Hereditary cancer-predisposing syndrome. Also called: Neoplastic Syndromes, Hereditary; Hereditary Cancer Syndrome; Tumor predisposition; Hereditary neoplastic syndrome. Identifiers: Orphanet 140162, MedGen C0027672, MeSH D009386, MONDO:0015356.

Submissions (2):

Ambry Genetics
Classification: Uncertain significance for Hereditary cancer-predisposing syndrome. Last evaluated: 2025-03-14. Review status: criteria provided, single submitter. Criteria: Ambry Variant Classification Scheme 2023. Collection method: clinical testing. Allele origin: germline.
Comment: The p.A51V variant (also known as c.152C>T), located in coding exon 2 of the PMS2 gene, results from a C to T substitution at nucleotide position 152. The alanine at codon 51 is replaced by valine, an amino acid with similar properties. This amino acid position is highly conserved in available vertebrate species. In addition, this alteration is predicted to be deleterious by in silico analysis. Based on the available evidence, the clinical significance of this variant remains unclear.

Color Diagnostics, LLC DBA Color Health
Classification: Uncertain significance for Hereditary cancer-predisposing syndrome. Last evaluated: 2023-12-04. Review status: criteria provided, single submitter. Criteria: ACMG Guidelines, 2015. Collection method: clinical testing. Allele origin: germline.
Comment: This missense variant replaces alanine with valine at codon 51 of the PMS2 protein. Computational prediction suggests that this variant may have deleterious impact on protein structure and function (internally defined REVEL score threshold >= 0.7, PMID: 27666373). To our knowledge, functional studies have not been reported for this variant. This variant has not been reported in individuals affected with PMS2-related disorders in the literature. This variant has not been identified in the general population by the Genome Aggregation Database (gnomAD). The available evidence is insufficient to determine the role of this variant in disease conclusively. Therefore, this variant is classified as a Variant of Uncertain Significance.

NM_000535.7(PMS2):c.152C>T (p.Ala51Val)

Gene: PMS2 (PMS1 homolog 2, mismatch repair system component; minus strand). Cytogenetic location: 7p22.1.
Variant type: single nucleotide variant.
Coding change: c.152C>T on transcript NM_000535.7 (MANE Select); coding-DNA position 152, C replaced by T.
Protein change: p.Ala51Val; replaces alanine 51 with valine.
Molecular consequence: missense variant. On other transcripts: 5 prime UTR variant (8), non-coding transcript variant (1), intron variant (3).
Genome position (GRCh38, 1-based): chr7:6,005,903, G>A on the plus strand (C>T on the coding strand, the complement: PMS2 is on the minus strand). VCF-style: chr7-6005903-G-A. GRCh37 (hg19) VCF-style: chr7-6045534-G-A.
Other names: c.-254C>T (NM_001322003.2, NM_001322005.2, NM_001322009.2 and 1 more transcripts); c.152C>T, p.Ala51Val (NM_001322006.2, NM_001322014.2); c.-64C>T (NM_001322007.2); c.-733C>T (NM_001322011.2, NM_001322012.2); c.-333C>T (NM_001322015.2); c.-52-1845C>T (NM_001322008.2); c.-242-1845C>T (NM_001322010.2, NM_001322004.2); short protein forms A51V.
Identifiers: ClinVar variation 927738 (VCV000927738.7), dbSNP rs1583418405, ClinGen allele CA366744966.